The following is an entry in ClinVar:

ClinVar aggregate classification (germline): Uncertain significance (1 of 4 stars; one submission).

Conditions:
Adams-Oliver syndrome 5 (AOS5). Identifiers: Orphanet 974, MedGen C4014970, MONDO:0014459, OMIM 616028.

Submission:

Labcorp Genetics (formerly Invitae), Labcorp
Classification: Uncertain significance for Adams-Oliver syndrome 5. Last evaluated: 2023-02-24. Review status: criteria provided, single submitter. Criteria: Invitae Variant Classification Sherloc (09022015). Collection method: clinical testing. Allele origin: germline.
Comment: In summary, the available evidence is currently insufficient to determine the role of this variant in disease. Therefore, it has been classified as a Variant of Uncertain Significance. Experimental studies and prediction algorithms are not available or were not evaluated, and the functional significance of this variant is currently unknown. ClinVar contains an entry for this variant (Variation ID: 2006260). This variant has not been reported in the literature in individuals affected with NOTCH1-related conditions. This variant is not present in population databases (gnomAD no frequency). This variant, c.4815_4816insCCCCCC, results in the insertion of 2 amino acid(s) of the NOTCH1 protein (p.Val1605_Phe1606insProPro), but otherwise preserves the integrity of the reading frame.

NM_017617.5(NOTCH1):c.4815_4816insCCCCCC (p.Val1605_Phe1606insProPro)

Gene: NOTCH1 (notch receptor 1; minus strand). Cytogenetic location: 9q34.3.
Variant type: Insertion.
Coding change: c.4815_4816insCCCCCC on transcript NM_017617.5 (MANE Select); coding-DNA positions 4815 to 4816, CCCCCC inserted.
Protein change: p.Val1605_Phe1606insProPro.
Molecular consequence: inframe insertion.
Genome position: GRCh38 VCF-style: chr9-136504875-A-AGGGGGG. GRCh37 (hg19) VCF-style: chr9-139399327-A-AGGGGGG.
Identifiers: ClinVar variation 2006260 (VCV002006260.4), dbSNP rs2540435405, ClinGen allele CA2580081228.
Genomic context (GRCh38, chr9:136,504,875, plus strand): 5'-GCTCCTCCTCGCGGCCGTAGTAGGGGAAGATCATCTGCTGGCCGTGTGCGTCACGCTTGA[A>AGGGGGG]GACCACGTTGGTGTGCAGCACGCGGCTGAGCTCCCGCAGGAAGTGGAAGGAGCTGTTGCG-3'